The following is an entry in ClinVar:

NM_001378452.1(ITPR1):c.1534G>A (p.Glu512Lys)

Gene: ITPR1 (inositol 1,4,5-trisphosphate receptor type 1; plus strand). Cytogenetic location: 3p26.1.
Variant type: single nucleotide variant.
Coding change: c.1534G>A on transcript NM_001378452.1 (MANE Select); coding-DNA position 1534, G replaced by A.
Protein change: p.Glu512Lys; replaces glutamic acid 512 with lysine.
Molecular consequence: missense variant.
Genome position (GRCh38, 1-based): chr3:4,663,186, G>A. VCF-style: chr3-4663186-G-A. GRCh37 (hg19) VCF-style: chr3-4704870-G-A.
Other names: c.1534G>A, p.Glu512Lys (NM_001099952.4); c.1489G>A, p.Glu497Lys (NM_001168272.2, NM_002222.7); short protein forms E497K, E512K.
Identifiers: ClinVar variation 1285490 (VCV001285490.1), dbSNP rs2125193560, ClinGen allele CA351641506.

ClinVar aggregate classification (germline): Likely pathogenic (1 of 4 stars; one submission).

Conditions:
Spinocerebellar ataxia type 29 (SCA29). Also called: Spinocerebellar ataxia 29, congenital nonprogressive; CEREBELLAR ATAXIA, CONGENITAL NONPROGRESSIVE, AUTOSOMAL DOMINANT. Identifiers: Orphanet 208513, MedGen C1861732, MONDO:0007298, OMIM 117360.

Submission:

Institute of Human Genetics, University of Leipzig Medical Center
Classification: Likely pathogenic for Spinocerebellar ataxia type 29. Last evaluated: 2020-12-18. Review status: criteria provided, single submitter. Criteria: ACMG Guidelines, 2015. Collection method: clinical testing. Allele origin: de novo. Affected: yes.
Comment: This variant was identified as de novo (maternity and paternity confirmed).